The following is an entry in ClinVar:

ClinVar aggregate classification (germline): Likely pathogenic (1 of 4 stars; one submission).

Submission:

Labcorp Genetics (formerly Invitae), Labcorp
Classification: Likely pathogenic. Last evaluated: 2025-10-13. Review status: criteria provided, single submitter. Criteria: Invitae Variant Classification Sherloc (09022015). Collection method: clinical testing. Allele origin: germline.
Comment: This sequence change replaces alanine, which is neutral and non-polar, with valine, which is neutral and non-polar, at codon 132 of the ECHS1 protein (p.Ala132Val). This variant is not present in population databases (gnomAD no frequency). This variant has not been reported in the literature in individuals affected with ECHS1-related conditions. ClinVar contains an entry for this variant (Variation ID: 1936395). Invitae Evidence Modeling of protein sequence and biophysical properties (such as structural, functional, and spatial information, amino acid conservation, physicochemical variation, residue mobility, and thermodynamic stability) indicates that this missense variant is expected to disrupt ECHS1 protein function with a positive predictive value of 80%. This variant disrupts the p.Ala132 amino acid residue in ECHS1. Other variant(s) that disrupt this residue have been determined to be pathogenic (PMID: 26000322, 32858208). This suggests that this residue is clinically significant, and that variants that disrupt this residue are likely to be disease-causing. In summary, the currently available evidence indicates that the variant is pathogenic, but additional data are needed to prove that conclusively. Therefore, this variant has been classified as Likely Pathogenic.

Literature cited by the submitters: PubMed 26000322; PubMed 32858208.

NM_004092.4(ECHS1):c.395C>T (p.Ala132Val)

Gene: ECHS1 (enoyl-CoA hydratase, short chain 1; minus strand). Cytogenetic location: 10q26.3.
Variant type: single nucleotide variant.
Coding change: c.395C>T on transcript NM_004092.4 (MANE Select); coding-DNA position 395, C replaced by T.
Protein change: p.Ala132Val; replaces alanine 132 with valine.
Molecular consequence: missense variant.
Genome position (GRCh38, 1-based): chr10:133,369,923, G>A on the plus strand (C>T on the coding strand, the complement: ECHS1 is on the minus strand). VCF-style: chr10-133369923-G-A. GRCh37 (hg19) VCF-style: chr10-135183427-G-A.
Other names: short protein forms A132V.
Identifiers: ClinVar variation 1936395 (VCV001936395.5), dbSNP rs2493842376, ClinGen allele CA378821244.